The following is an entry in ClinVar:

ClinVar aggregate classification (germline): Uncertain significance (1 of 4 stars; one submission).

Allele frequency attached by ClinVar (database versions not stated): gnomAD exomes below 0.00001; TOPMed below 0.00001.
gnomAD v4.1: 2 of 1,614,202 alleles (0.00012%); highest among the groups gnomAD compares: South Asian, 0.0011%; no homozygotes.

Submission:

Labcorp Genetics (formerly Invitae), Labcorp
Classification: Uncertain significance. Last evaluated: 2022-06-15. Review status: criteria provided, single submitter. Criteria: Invitae Variant Classification Sherloc (09022015). Collection method: clinical testing. Allele origin: germline.
Comment: Algorithms developed to predict the effect of missense changes on protein structure and function output the following: SIFT: "Tolerated"; PolyPhen-2: "Benign"; Align-GVGD: "Class C0". The arginine amino acid residue is found in multiple mammalian species, which suggests that this missense change does not adversely affect protein function. In summary, the available evidence is currently insufficient to determine the role of this variant in disease. Therefore, it has been classified as a Variant of Uncertain Significance. This sequence change replaces cysteine, which is neutral and slightly polar, with arginine, which is basic and polar, at codon 75 of the PCARE protein (p.Cys75Arg). This variant is not present in population databases (gnomAD no frequency). This variant has not been reported in the literature in individuals affected with PCARE-related conditions.

NM_001029883.3(PCARE):c.223T>C (p.Cys75Arg)

Gene: PCARE (photoreceptor cilium actin regulator; minus strand). Cytogenetic location: 2p23.2.
Variant type: single nucleotide variant.
Coding change: c.223T>C on transcript NM_001029883.3 (MANE Select); coding-DNA position 223, T replaced by C.
Protein change: p.Cys75Arg; replaces cysteine 75 with arginine.
Molecular consequence: missense variant.
Genome position (GRCh38, 1-based): chr2:29,074,039, A>G on the plus strand (T>C on the coding strand, the complement: PCARE is on the minus strand). VCF-style: chr2-29074039-A-G. GRCh37 (hg19) VCF-style: chr2-29296905-A-G.
Other names: short protein forms C75R.
Identifiers: ClinVar variation 1952988 (VCV001952988.5), dbSNP rs967931656, ClinGen allele CA44644298.